The following is an entry in ClinVar:

ClinVar aggregate classification (germline): Likely benign. Review status: criteria provided, multiple submitters, no conflicts (2 of 4 stars). 2 submissions from 2 submitters: Likely benign (2). Last evaluated 2025-08-29.

Conditions:
Fanconi anemia complementation group J. Also called: BRIP1-Related Fanconi Anemia. Identifiers: Orphanet 84, MedGen C1836860, MONDO:0012187, OMIM 609054.
Familial cancer of breast. Also called: BREAST CANCER, FAMILIAL; Hereditary breast cancer; hereditary breast carcinoma. Identifiers: Orphanet 227535, MedGen C0346153, MONDO:0016419, OMIM 114480. Disease mechanism: loss of function.

Allele frequency attached by ClinVar (database versions not stated): gnomAD exomes below 0.00001.

Submissions (2):

Labcorp Genetics (formerly Invitae), Labcorp
Classification: Likely benign for Familial cancer of breast; Fanconi anemia complementation group J. Last evaluated: 2025-08-29. Review status: criteria provided, single submitter. Criteria: Invitae Variant Classification Sherloc (09022015). Collection method: clinical testing. Allele origin: germline.

Myriad Genetics, Inc.
Classification: Likely benign for Familial cancer of breast. Last evaluated: 2024-08-29. Review status: criteria provided, single submitter. Criteria: Myriad Autosomal Dominant, Autosomal Recessive and X-Linked Classification Criteria (2023). Collection method: clinical testing. Allele origin: unknown.
Comment: This variant is considered likely benign. This variant is intronic and is not expected to impact mRNA splicing.

NM_032043.3(BRIP1):c.1794+8C>T

Gene: BRIP1 (BRCA1 interacting DNA helicase 1; minus strand). Cytogenetic location: 17q23.2.
Variant type: single nucleotide variant.
Coding change: c.1794+8C>T on transcript NM_032043.3 (MANE Select); 8 bases into the intron after coding-DNA position 1794, C replaced by T.
Molecular consequence: intron variant.
Genome position (GRCh38, 1-based): chr17:61,780,832, G>A on the plus strand (C>T on the coding strand, the complement: BRIP1 is on the minus strand). VCF-style: chr17-61780832-G-A. GRCh37 (hg19) VCF-style: chr17-59858193-G-A.
Identifiers: ClinVar variation 2935588 (VCV002935588.4), dbSNP rs2145089556, ClinGen allele CA2639156053.